The following is an entry in ClinVar:

ClinVar aggregate classification (germline): Uncertain significance. Review status: criteria provided, multiple submitters, no conflicts (2 of 4 stars). 2 submissions from 2 submitters: Uncertain significance (2). Last evaluated 2023-12-10.

Allele frequency attached by ClinVar (database versions not stated): gnomAD exomes below 0.00001.
gnomAD v4.1: 3 of 1,613,428 alleles (0.00019%); highest among the groups gnomAD compares: East Asian, 0.0067%; no homozygotes.

Submissions (2):

Labcorp Genetics (formerly Invitae), Labcorp
Classification: Uncertain significance. Last evaluated: 2023-12-10. Review status: criteria provided, single submitter. Criteria: Invitae Variant Classification Sherloc (09022015). Collection method: clinical testing. Allele origin: germline.
Comment: This sequence change replaces cysteine, which is neutral and slightly polar, with arginine, which is basic and polar, at codon 375 of the OPA1 protein (p.Cys375Arg). This variant is present in population databases (no rsID available, gnomAD 0.02%). This variant has not been reported in the literature in individuals affected with OPA1-related conditions. ClinVar contains an entry for this variant (Variation ID: 2507104). Advanced modeling of protein sequence and biophysical properties (such as structural, functional, and spatial information, amino acid conservation, physicochemical variation, residue mobility, and thermodynamic stability) performed at Invitae indicates that this missense variant is not expected to disrupt OPA1 protein function with a negative predictive value of 80%. In summary, the available evidence is currently insufficient to determine the role of this variant in disease. Therefore, it has been classified as a Variant of Uncertain Significance.

GeneDx
Classification: Uncertain significance. Last evaluated: 2022-12-29. Review status: criteria provided, single submitter. Criteria: GeneDx Variant Classification Process June 2021. Collection method: clinical testing. Allele origin: germline. Affected: yes.
Comment: In silico analysis supports that this missense variant does not alter protein structure/function; Has not been previously published as pathogenic or benign to our knowledge; This variant is associated with the following publications: (PMID: 11440988)

NM_130837.3(OPA1):c.1288T>C (p.Cys430Arg)

Gene: OPA1 (OPA1 mitochondrial dynamin like GTPase; plus strand). Cytogenetic location: 3q29.
Variant type: single nucleotide variant.
Coding change: c.1288T>C on transcript NM_130837.3 (MANE Select); coding-DNA position 1288, T replaced by C.
Protein change: p.Cys430Arg; replaces cysteine 430 with arginine.
Molecular consequence: missense variant.
Genome position (GRCh38, 1-based): chr3:193,643,032, T>C. VCF-style: chr3-193643032-T-C. GRCh37 (hg19) VCF-style: chr3-193360821-T-C.
Other names: c.1126T>C, p.Cys376Arg (NM_130833.3); c.1177T>C, p.Cys393Arg (NM_130834.3); c.1180T>C, p.Cys394Arg (NM_130835.3); c.1234T>C, p.Cys412Arg (NM_130836.3); c.754T>C, p.Cys252Arg (NM_001354663.2); c.751T>C, p.Cys251Arg (NM_001354664.2); c.1123T>C, p.Cys375Arg (NM_015560.3); c.1015T>C, p.Cys339Arg (NM_130831.3); and 1 more; short protein forms C251R, C252R, C339R, C357R, C375R, C376R, C393R, C394R.
Identifiers: ClinVar variation 2507104 (VCV002507104.4), dbSNP rs1313421147, ClinGen allele CA355789094.
Genomic context (GRCh38, chr3:193,643,032, plus strand): 5'-TAGCTTGCAGCATTAAGACATGAAATAGAACTTCGAATGAGGAAAAATGTGAAAGAAGGC[T>C]GTACCGTTAGCCCTGAGGTAAGGGTTGCAATTCATTTCAGTGACGTTTTATGGAAATTAA-3'
Protein context (NP_570850.2, residues 420-440): LRMRKNVKEG[Cys430Arg]TVSPETISLN